The following continues an entry in ClinVar:

NM_020533.3(MCOLN1):c.406-2A>G

Gene: MCOLN1. ClinVar aggregate classification (germline): Pathogenic. Pathogenic (14).

Submissions 12 to 20 of 20:

Laboratory for Molecular Medicine, Mass General Brigham Personalized Medicine
Classification: Pathogenic for Mucolipidosis. Last evaluated: 2017-11-10. Review status: criteria provided, single submitter. Criteria: LMM Criteria. Collection method: clinical testing. Allele origin: germline. Inheritance: Autosomal recessive inheritance. Observed: 1 variant allele.
Comment: The c.406-2A>G variant (NM_020433.2) in MCOLN1 has been reported in at least 12 homozygous and 1 compound heterozygous individuals with mucolipidosis type IV (B argal 2000). This variant has also been reported in ClinVar (Variation ID#5131), as pathogenic by multiple laboratories. This variant occurs in the invariant re gion (+/- 1,2) of the splice consensus sequence and has been demonstrated to imp act splicing and lead to skipping of exon 4, introducing a frameshift (Bargal 20 00, Edelmann 2002). This variant has been identified in 0.42% (43/10148) of Ash kenazi Jewish chromosomes by the Genome Aggregation Database (gnomAD; dbSNP rs104886461) and has been reported as a founder mu tation in the Ashkenazi Jewish population (Edelmann 2002, Hantash 2006) . Bialle lic loss of function of the MCOLN1 gene is an established disease mechanism for mucolipidosis type IV. In summary, this variant meets criteria to be classified as pathogenic for mucolipidosis type IV in an autosomal recessive manner based u pon its biallelic occurrence in individuals with this disease and functional imp act on the protein. ACMG/AMP Criteria applied: PVS1, PM3_Strong (upgraded to str ong based on multiple occurrences), PP5.

Women's Health and Genetics/Laboratory Corporation of America, LabCorp
Classification: Pathogenic for Mucolipidosis type IV. Last evaluated: 2016-01-20. Review status: criteria provided, single submitter. Criteria: LabCorp Variant Classification Summary - May 2015. Collection method: clinical testing. Allele origin: germline.

Eurofins Ntd Llc (ga)
Classification: Pathogenic. Last evaluated: 2015-04-08. Review status: criteria provided, single submitter. Criteria: EGL Classification Definitions 2015. Collection method: clinical testing. Allele origin: germline. Observed: 6 variant alleles, 2 heterozygotes, 1 homozygote, 3 hemizygotes.

OMIM
Classification: Pathogenic for MUCOLIPIDOSIS IV. Last evaluated: 2001-05-01. Review status: no assertion criteria provided. Collection method: literature only. Allele origin: germline. Not counted in ClinVar's aggregate classification.

Dr. Peter K. Rogan Lab, Western University
No classification provided (evidence only). Condition: Clear cell carcinoma of kidney. Review status: no classification provided. Collection method: in vitro. Allele origin: not applicable. Functional consequence: skipped exon, retained intron. Not counted in ClinVar's aggregate classification.

Dr. Peter K. Rogan Lab, Western University
No classification provided (evidence only). Condition: Thyroid cancer, nonmedullary, 1. Review status: no classification provided. Collection method: in vitro. Allele origin: not applicable. Functional consequence: skipped exon. Not counted in ClinVar's aggregate classification.

Dr. Peter K. Rogan Lab, Western University
No classification provided (evidence only). Condition: Ovarian serous cystadenocarcinoma. Review status: no classification provided. Collection method: in vitro. Allele origin: not applicable. Functional consequence: retained intron. Not counted in ClinVar's aggregate classification.

GeneReviews
No classification provided. Condition: Mucolipidosis type IV. Review status: no classification provided. Collection method: literature only. Allele origin: germline. Not counted in ClinVar's aggregate classification.
Comment: Accounts for 77% of pathogenic variants in Ashkenazi Jewish persons. Approximately 60% of individuals with MLIV of Ashkenazi Jewish heritage in the US are homozygotes for the c.406-2A>G intronic acceptor splice site pathogenic variant. An estimated 33% are compound heterozygotes for this variant and the 6.4-kb deletion.

SNPedia
No classification provided. Review status: no classification provided. Collection method: not provided. Allele origin: germline. Not counted in ClinVar's aggregate classification.

Literature cited by the submitters: PubMed 11013137 (cited by 7 submitters); PubMed 11317355 (cited by 3 submitters); PubMed 19815695 (cited by Labcorp Genetics (formerly Invitae), Labcorp and Laboratory for Molecular Medicine, Mass General Brigham Personalized Medicine); PubMed 37972748 (cited by Labcorp Genetics (formerly Invitae), Labcorp and OMIM); PubMed 10973263 (cited by 6 submitters); PubMed 11030752 (cited by Myriad Genetics, Inc.); PubMed 16645217 (cited by Myriad Genetics, Inc. and Laboratory for Molecular Medicine, Mass General Brigham Personalized Medicine); PubMed 16287144 (cited by Myriad Genetics, Inc.); PubMed 11845410 (cited by Myriad Genetics, Inc. and Laboratory for Molecular Medicine, Mass General Brigham Personalized Medicine); PubMed 17384215 (cited by Myriad Genetics, Inc.); PubMed 23555759 (cited by Laboratory for Molecular Medicine, Mass General Brigham Personalized Medicine); PubMed 10441585 (cited by OMIM); PubMed 9450896 (cited by OMIM); NCBI Bookshelf NBK1214 (cited by GeneReviews); PubMed 11551108 (cited by GeneReviews); PubMed 15523648 (cited by GeneReviews).